The following is an entry in ClinVar:

NM_001369369.1(FOXN1):c.1436T>C (p.Leu479Pro)

Gene: FOXN1 (forkhead box N1; plus strand). Cytogenetic location: 17q11.2.
Variant type: single nucleotide variant.
Coding change: c.1436T>C on transcript NM_001369369.1 (MANE Select); coding-DNA position 1436, T replaced by C.
Protein change: p.Leu479Pro; replaces leucine 479 with proline.
Molecular consequence: missense variant.
Genome position (GRCh38, 1-based): chr17:28,535,007, T>C. VCF-style: chr17-28535007-T-C. GRCh37 (hg19) VCF-style: chr17-26862025-T-C.
Other names: c.1436T>C, p.Leu479Pro (NM_003593.3); short protein forms L479P.
Identifiers: ClinVar variation 651094 (VCV000651094.5), dbSNP rs1489958411, ClinGen allele CA398326440.

ClinVar aggregate classification (germline): Uncertain significance (1 of 4 stars; one submission).

Conditions:
T-cell immunodeficiency, congenital alopecia, and nail dystrophy. Also called: Congenital alopecia and nail dystrophy associated with severe functional T-cell immunodeficiency; Pignata Guarino syndrome. Identifiers: Orphanet 169095, MedGen C1866426, MONDO:0011132, OMIM 601705.

Allele frequency attached by ClinVar (database versions not stated): gnomAD exomes below 0.00001.
gnomAD v4.1: 10 of 1,613,830 alleles (0.00062%); highest among the groups gnomAD compares: Non-Finnish European, 0.00068%; no homozygotes.

Submission:

Labcorp Genetics (formerly Invitae), Labcorp
Classification: Uncertain significance for T-cell immunodeficiency, congenital alopecia, and nail dystrophy. Last evaluated: 2024-02-24. Review status: criteria provided, single submitter. Criteria: Invitae Variant Classification Sherloc (09022015). Collection method: clinical testing. Allele origin: germline.
Comment: This sequence change replaces leucine, which is neutral and non-polar, with proline, which is neutral and non-polar, at codon 479 of the FOXN1 protein (p.Leu479Pro). This variant is present in population databases (no rsID available, gnomAD 0.0009%). This variant has not been reported in the literature in individuals affected with FOXN1-related conditions. ClinVar contains an entry for this variant (Variation ID: 651094). Advanced modeling of protein sequence and biophysical properties (such as structural, functional, and spatial information, amino acid conservation, physicochemical variation, residue mobility, and thermodynamic stability) performed at Invitae indicates that this missense variant is not expected to disrupt FOXN1 protein function with a negative predictive value of 80%. In summary, the available evidence is currently insufficient to determine the role of this variant in disease. Therefore, it has been classified as a Variant of Uncertain Significance.